The following is an entry in ClinVar:

ClinVar aggregate classification (germline): Likely benign (0 of 4 stars; one submission).

Conditions:
NADK2-related disorder. Also called: NADK2-related condition.

Allele frequency attached by ClinVar (database versions not stated): gnomAD exomes 0.00001.
gnomAD v4.1: 2 of 1,286,718 alleles (0.00016%); highest among the groups gnomAD compares: South Asian, 0.004%; no homozygotes.

Submission:

PreventionGenetics, part of Exact Sciences
Classification: Likely benign for NADK2-related condition. Last evaluated: 2020-04-21. Review status: no assertion criteria provided. Collection method: clinical testing. Allele origin: germline.
Comment: This variant is classified as likely benign based on ACMG/AMP sequence variant interpretation guidelines (Richards et al. 2015 PMID: 25741868, with internal and published modifications).

NM_001085411.3(NADK2):c.60G>C (p.Ala20=)

Genes: NADK2 (NAD kinase 2, mitochondrial; minus strand), LOC129993801 (ATAC-STARR-seq lymphoblastoid silent region 15972; plus strand). Cytogenetic location: 5p13.2.
Variant type: single nucleotide variant.
Coding change: c.60G>C on transcript NM_001085411.3 (MANE Select); coding-DNA position 60, G replaced by C.
Protein change: p.Ala20=; no amino-acid change (alanine 20 retained).
Molecular consequence: synonymous variant. On other transcripts: intron variant (2).
Genome position (GRCh38, 1-based): chr5:36,241,739, C>G on the plus strand (G>C on the coding strand, the complement: NADK2 is on the minus strand). VCF-style: chr5-36241739-C-G. GRCh37 (hg19) VCF-style: chr5-36241841-C-G.
Other names: c.-190+357G>C (NM_153013.5, NM_001287341.2).
Identifiers: ClinVar variation 3054105 (VCV003054105.2), dbSNP rs1748140805, ClinGen allele CA444095230.